The following is an entry in ClinVar:

NM_001199267.2(DGKZ):c.1828C>T (p.Arg610Cys)

Gene: DGKZ (diacylglycerol kinase zeta; plus strand). Cytogenetic location: 11p11.2.
Variant type: single nucleotide variant.
Coding change: c.1828C>T on transcript NM_001199267.2 (MANE Select); coding-DNA position 1828, C replaced by T.
Protein change: p.Arg610Cys; replaces arginine 610 with cysteine.
Molecular consequence: missense variant.
Genome position (GRCh38, 1-based): chr11:46,375,552, C>T. VCF-style: chr11-46375552-C-T. GRCh37 (hg19) VCF-style: chr11-46397102-C-T.
Other names: c.2395C>T (NM_001105540.1); c.2395C>T, p.Arg799Cys (NM_001105540.2); c.1831C>T, p.Arg611Cys (NM_001199266.2, NM_003646.4); c.1762C>T, p.Arg588Cys (NM_001199268.2); c.1879C>T, p.Arg627Cys (NM_201532.3); c.1843C>T, p.Arg615Cys (NM_201533.3); short protein forms R588C, R611C, R610C, R799C, R615C, R627C.
Identifiers: ClinVar variation 1412421 (VCV001412421.7), dbSNP rs746405604, ClinGen allele CA5962968.

ClinVar aggregate classification (germline): Uncertain significance. Review status: criteria provided, multiple submitters, no conflicts (2 of 4 stars). 2 submissions from 2 submitters: Uncertain significance (2). Last evaluated 2023-11-20.

Allele frequency attached by ClinVar (database versions not stated): gnomAD 0.00001; gnomAD exomes 0.00002 and 0.00003; ExAC 0.00004; TOPMed 0.00004.
gnomAD v4.1: 33 of 1,591,264 alleles (0.0021%); highest among the groups gnomAD compares: East Asian, 0.0068%; no homozygotes.

Submissions (2):

Ambry Genetics
Classification: Uncertain significance. Last evaluated: 2023-11-20. Review status: criteria provided, single submitter. Criteria: Ambry Variant Classification Scheme 2023. Collection method: clinical testing. Allele origin: germline.

Labcorp Genetics (formerly Invitae), Labcorp
Classification: Uncertain significance. Last evaluated: 2022-10-05. Review status: criteria provided, single submitter. Criteria: Invitae Variant Classification Sherloc (09022015). Collection method: clinical testing. Allele origin: germline.
Comment: This sequence change replaces arginine, which is basic and polar, with cysteine, which is neutral and slightly polar, at codon 799 of the DGKZ protein (p.Arg799Cys). The frequency data for this variant in the population databases is considered unreliable, as metrics indicate poor data quality at this position in the gnomAD database. This variant has not been reported in the literature in individuals affected with DGKZ-related conditions. ClinVar contains an entry for this variant (Variation ID: 1412421). Algorithms developed to predict the effect of missense changes on protein structure and function output the following: SIFT: "Tolerated"; PolyPhen-2: "Benign"; Align-GVGD: "Class C0". The cysteine amino acid residue is found in multiple mammalian species, which suggests that this missense change does not adversely affect protein function. In summary, the available evidence is currently insufficient to determine the role of this variant in disease. Therefore, it has been classified as a Variant of Uncertain Significance.